The following is an entry in ClinVar:

NM_005546.4(ITK):c.386A>G (p.Lys129Arg)

Gene: ITK (IL2 inducible T cell kinase; plus strand). Cytogenetic location: 5q33.3.
Variant type: single nucleotide variant.
Coding change: c.386A>G on transcript NM_005546.4 (MANE Select); coding-DNA position 386, A replaced by G.
Protein change: p.Lys129Arg; replaces lysine 129 with arginine.
Molecular consequence: missense variant.
Genome position (GRCh38, 1-based): chr5:157,214,251, A>G. VCF-style: chr5-157214251-A-G. GRCh37 (hg19) VCF-style: chr5-156641262-A-G.
Other names: short protein forms K129R.
Identifiers: ClinVar variation 1001038 (VCV001001038.7), dbSNP rs201959697, ClinGen allele CA130138405.
Genomic context (GRCh38, chr5:157,214,251, plus strand): 5'-AAACGAGGAATAATAACAGTTTGGTGCCTAAATATCATCCTAATTTCTGGATGGATGGGA[A>G]GTGGAGGTGCTGTTCTCAGCTGGAGAAGCTTGCAACAGGCTGTGCCCAATATGATCCAAC-3'
Protein context (NP_005537.3, residues 119-139): KYHPNFWMDG[Lys129Arg]WRCCSQLEKL

ClinVar aggregate classification (germline): Uncertain significance (1 of 4 stars; one submission).

Conditions:
Lymphoproliferative syndrome 1 (LPFS1). Identifiers: Orphanet 238505, Orphanet 538963, MedGen C3552634, MONDO:0013081, OMIM 613011.

Allele frequency attached by ClinVar (database versions not stated): gnomAD exomes 0.00001; gnomAD 0.00002; TOPMed 0.00002.
gnomAD v4.1: 10 of 1,608,870 alleles (0.00062%); highest among the groups gnomAD compares: Non-Finnish European, 0.00085%; no homozygotes.

Submission:

Labcorp Genetics (formerly Invitae), Labcorp
Classification: Uncertain significance for Lymphoproliferative syndrome 1. Last evaluated: 2025-11-30. Review status: criteria provided, single submitter. Criteria: Invitae Variant Classification Sherloc (09022015). Collection method: clinical testing. Allele origin: germline.
Comment: This sequence change replaces lysine, which is basic and polar, with arginine, which is basic and polar, at codon 129 of the ITK protein (p.Lys129Arg). This variant is not present in population databases (gnomAD no frequency). This variant has not been reported in the literature in individuals affected with ITK-related conditions. ClinVar contains an entry for this variant (Variation ID: 1001038). Invitae Evidence Modeling of protein sequence and biophysical properties (such as structural, functional, and spatial information, amino acid conservation, physicochemical variation, residue mobility, and thermodynamic stability) indicates that this missense variant is not expected to disrupt ITK protein function with a negative predictive value of 95%. In summary, the available evidence is currently insufficient to determine the role of this variant in disease. Therefore, it has been classified as a Variant of Uncertain Significance.